The following is an entry in ClinVar:

NM_000122.2(ERCC3):c.2227C>T (p.Arg743Cys)

Gene: ERCC3 (ERCC excision repair 3, TFIIH core complex helicase subunit; minus strand). Cytogenetic location: 2q14.3.
Variant type: single nucleotide variant.
Coding change: c.2227C>T on transcript NM_000122.2 (MANE Select); coding-DNA position 2227, C replaced by T.
Protein change: p.Arg743Cys; replaces arginine 743 with cysteine.
Molecular consequence: missense variant.
Genome position (GRCh38, 1-based): chr2:127,257,718, G>A on the plus strand (C>T on the coding strand, the complement: ERCC3 is on the minus strand). VCF-style: chr2-127257718-G-A. GRCh37 (hg19) VCF-style: chr2-128015294-G-A.
Other names: c.2035C>T, p.Arg679Cys (NM_001303416.2, NM_001303418.2); short protein forms R743C, R679C.
Identifiers: ClinVar variation 1965677 (VCV001965677.3), dbSNP rs774730824, ClinGen allele CA1858030.

ClinVar aggregate classification (germline): Uncertain significance. Review status: criteria provided, multiple submitters, no conflicts (2 of 4 stars). 2 submissions from 2 submitters: Uncertain significance (2). Last evaluated 2022-09-27.

Conditions:
Inborn genetic diseases. Identifiers: MedGen C0950123, MeSH D030342.

Allele frequency attached by ClinVar (database versions not stated): gnomAD exomes 0.00002; gnomAD 0.00003; ExAC 0.00004; TOPMed 0.00004.
gnomAD v4.1: 30 of 1,614,028 alleles (0.0019%); highest among the groups gnomAD compares: Admixed American, 0.025%; 1 homozygote.

Submissions (2):

Labcorp Genetics (formerly Invitae), Labcorp
Classification: Uncertain significance. Last evaluated: 2022-09-27. Review status: criteria provided, single submitter. Criteria: Invitae Variant Classification Sherloc (09022015). Collection method: clinical testing. Allele origin: germline.
Comment: This sequence change replaces arginine, which is basic and polar, with cysteine, which is neutral and slightly polar, at codon 743 of the ERCC3 protein (p.Arg743Cys). This variant is present in population databases (rs774730824, gnomAD 0.04%), including at least one homozygous and/or hemizygous individual. This variant has not been reported in the literature in individuals affected with ERCC3-related conditions. Advanced modeling of protein sequence and biophysical properties (such as structural, functional, and spatial information, amino acid conservation, physicochemical variation, residue mobility, and thermodynamic stability) has been performed at Invitae for this missense variant, however the output from this modeling did not meet the statistical confidence thresholds required to predict the impact of this variant on ERCC3 protein function. Algorithms developed to predict the effect of sequence changes on RNA splicing suggest that this variant may create or strengthen a splice site. In summary, the available evidence is currently insufficient to determine the role of this variant in disease. Therefore, it has been classified as a Variant of Uncertain Significance.

Ambry Genetics
Classification: Uncertain significance for Inborn genetic diseases. Last evaluated: 2021-03-02. Review status: criteria provided, single submitter. Criteria: Ambry Variant Classification Scheme 2023. Collection method: clinical testing. Allele origin: germline.
Comment: The c.2227C>T (p.R743C) alteration is located in exon 15 (coding exon 15) of the ERCC3 gene. This alteration results from a C to T substitution at nucleotide position 2227, causing the arginine (R) at amino acid position 743 to be replaced by a cysteine (C). The in silico prediction for the p.R743C alteration is inconclusive. Based on insufficient or conflicting evidence, the clinical significance of this alteration remains unclear.